The following is an entry in ClinVar:

ClinVar aggregate classification (germline): Pathogenic (1 of 4 stars; one submission).

Conditions:
Familial adenomatous polyposis 1 (FAP1). Also called: FAMILIAL ADENOMATOUS POLYPOSIS 1, ATTENUATED; POLYPOSIS, ADENOMATOUS INTESTINAL. Identifiers: MedGen C2713442, MONDO:0021056, OMIM 175100. Disease mechanism: loss of function.

Submission:

Myriad Genetics, Inc.
Classification: Pathogenic for Familial adenomatous polyposis 1. Last evaluated: 2023-05-15. Review status: criteria provided, single submitter. Criteria: Myriad Autosomal Dominant, Autosomal Recessive and X-Linked Classification Criteria (2023). Collection method: clinical testing. Allele origin: unknown.
Comment: This variant is considered pathogenic. This variant creates a termination codon and is predicted to result in premature protein truncation.

NM_000038.6(APC):c.6121G>T (p.Glu2041Ter)

Gene: APC (APC regulator of Wnt signaling pathway; plus strand). Cytogenetic location: 5q22.2.
Variant type: single nucleotide variant.
Coding change: c.6121G>T on transcript NM_000038.6 (MANE Select); coding-DNA position 6121, G replaced by T.
Protein change: p.Glu2041Ter; replaces glutamic acid 2041 with a stop codon.
Molecular consequence: nonsense. On other transcripts: non-coding transcript variant (2).
Genome position (GRCh38, 1-based): chr5:112,841,715, G>T. VCF-style: chr5-112841715-G-T. GRCh37 (hg19) VCF-style: chr5-112177412-G-T.
Other names: c.5272G>T, p.Glu1758Ter (NM_001354906.2, NM_001407470.1); c.6205G>T, p.Glu2069Ter (NM_001407446.1); c.6175G>T, p.Glu2059Ter (NM_001407447.1, NM_001407448.1, NM_001407449.1 and 1 more transcripts); c.6121G>T, p.Glu2041Ter (NM_001407450.1, NM_001127510.3, NM_001354895.2); c.6100G>T, p.Glu2034Ter (NM_001407451.1); c.6091G>T, p.Glu2031Ter (NM_001407452.1); c.5944G>T, p.Glu1982Ter (NM_001407453.1, NM_001354901.2); c.5872G>T, p.Glu1958Ter (NM_001407454.1, NM_001407455.1, NM_001407456.1 and 1 more transcripts); and 11 more; short protein forms E1657*, E1758*, E1881*, E1912*, E1915*, E1940*, E1950*, E1958*.
Identifiers: ClinVar variation 2584241 (VCV002584241.1), dbSNP rs1561605162, ClinGen allele CA16034732.